The following is an entry in ClinVar:

ClinVar aggregate classification (germline): Benign/Likely benign. Review status: criteria provided, multiple submitters, no conflicts (2 of 4 stars). 5 submissions from 5 submitters: Benign (1); Likely benign (4). Last evaluated 2026-07-14.

Conditions:
Hereditary cancer-predisposing syndrome. Also called: Hereditary Cancer Syndrome; Hereditary neoplastic syndrome; Neoplastic Syndromes, Hereditary; Tumor predisposition. Identifiers: Orphanet 140162, MedGen C0027672, MeSH D009386, MONDO:0015356.
Rhabdoid tumor predisposition syndrome 2 (RTPS2). Identifiers: Orphanet 231108, Orphanet 69077, MedGen C2750074, MONDO:0013224, OMIM 613325.

Allele frequency attached by ClinVar (database versions not stated): gnomAD 0.00001; gnomAD exomes 0.00001; TOPMed 0.00001.
gnomAD v4.1: 13 of 1,611,262 alleles (0.00081%); highest among the groups gnomAD compares: Admixed American, 0.005%; no homozygotes.

Submissions (5):

Myriad Genetics, Inc.
Classification: Benign for Rhabdoid tumor predisposition syndrome 2. Last evaluated: 2026-07-14. Review status: criteria provided, single submitter. Criteria: Myriad Autosomal Dominant, Autosomal Recessive and X-Linked Classification Criteria (2023). Collection method: clinical testing. Allele origin: unknown.
Comment: This variant is considered benign. This variant is a silent/synonymous amino acid change and it is not expected to impact splicing.

Labcorp Genetics (formerly Invitae), Labcorp
Classification: Likely benign for Rhabdoid tumor predisposition syndrome 2. Last evaluated: 2026-01-26. Review status: criteria provided, single submitter. Criteria: Invitae Variant Classification Sherloc (09022015). Collection method: clinical testing. Allele origin: germline.

Quest Diagnostics Nichols Institute San Juan Capistrano
Classification: Likely benign. Last evaluated: 2025-02-10. Review status: criteria provided, single submitter. Criteria: Quest Diagnostics criteria. Collection method: clinical testing. Allele origin: unknown.

Blueprint Genetics
Classification: Likely benign. Last evaluated: 2024-09-06. Review status: criteria provided, single submitter. Criteria: ACMG Guidelines, 2015. Collection method: clinical testing. Allele origin: germline.

Ambry Genetics
Classification: Likely benign for Hereditary cancer-predisposing syndrome. Last evaluated: 2016-06-01. Review status: criteria provided, single submitter. Criteria: Ambry Variant Classification Scheme 2023. Collection method: clinical testing. Allele origin: germline.

NM_003072.5(SMARCA4):c.3423C>A (p.Thr1141=)

Gene: SMARCA4 (SWI/SNF related BAF chromatin remodeling complex subunit ATPase 4; plus strand). Cytogenetic location: 19p13.2.
Variant type: single nucleotide variant.
Coding change: c.3423C>A on transcript NM_003072.5 (MANE Select); coding-DNA position 3423, C replaced by A.
Protein change: p.Thr1141=; no amino-acid change (threonine 1141 retained).
Molecular consequence: synonymous variant. On other transcripts: non-coding transcript variant (1).
Genome position (GRCh38, 1-based): chr19:11,030,770, C>A. VCF-style: chr19-11030770-C-A. GRCh37 (hg19) VCF-style: chr19-11141446-C-A.
Other names: c.3423C>A, p.Thr1141= (NM_001128846.2, NM_001128847.4, NM_001128848.2 and 5 more transcripts).
Identifiers: ClinVar variation 415071 (VCV000415071.19), dbSNP rs894097474, ClinGen allele CA16616165.